The following is an entry in ClinVar:

ClinVar aggregate classification (germline): Uncertain significance (1 of 4 stars; one submission).

Conditions:
Inborn genetic diseases. Identifiers: MedGen C0950123, MeSH D030342.

Submission:

Ambry Genetics
Classification: Uncertain significance for Inborn genetic diseases. Last evaluated: 2025-09-28. Review status: criteria provided, single submitter. Criteria: Ambry Variant Classification Scheme 2023. Collection method: clinical testing. Allele origin: germline.
Comment: The p.A522T variant (also known as c.1564G>A), located in coding exon 14 of the KDM1A gene, results from a G to A substitution at nucleotide position 1564. The alanine at codon 522 is replaced by threonine, an amino acid with similar properties. This amino acid position is conserved. In addition, this alteration is predicted to be tolerated by in silico analysis. Based on the available evidence, the clinical significance of this variant remains unclear.

NM_001009999.3(KDM1A):c.1564G>A (p.Ala522Thr)

Gene: KDM1A (lysine demethylase 1A; plus strand). Cytogenetic location: 1p36.12.
Variant type: single nucleotide variant.
Coding change: c.1564G>A on transcript NM_001009999.3 (MANE Select); coding-DNA position 1564, G replaced by A.
Protein change: p.Ala522Thr; replaces alanine 522 with threonine.
Molecular consequence: missense variant.
Genome position (GRCh38, 1-based): chr1:23,072,139, G>A. VCF-style: chr1-23072139-G-A. GRCh37 (hg19) VCF-style: chr1-23398632-G-A.
Other names: c.1492G>A, p.Ala498Thr (NM_001363654.2, NM_001410763.1, NM_015013.4); c.1552G>A, p.Ala518Thr (NM_001410762.1); short protein forms A518T, A498T, A522T.
Identifiers: ClinVar variation 4622654 (VCV004622654.1).